The following is an entry in ClinVar:

ClinVar aggregate classification (germline): Uncertain significance. Review status: criteria provided, multiple submitters, no conflicts (2 of 4 stars). 3 submissions from 3 submitters: Uncertain significance (3). Last evaluated 2025-10-20.

Conditions:
ROBO4-related disorder. Also called: ROBO4-related condition.
Aortic valve disease 3. Identifiers: MedGen C5193127, MONDO:0032783, OMIM 618496.

Allele frequency attached by ClinVar (database versions not stated): ESP Exome Variant Server 0.00015; ExAC 0.00005; gnomAD 0.00008.
gnomAD v4.1: 87 of 1,613,946 alleles (0.0054%); highest among the groups gnomAD compares: Middle Eastern, 0.033%; no homozygotes.

Submissions (3):

PreventionGenetics, part of Exact Sciences
Classification: Uncertain significance for ROBO4-related condition. Last evaluated: 2025-10-20. Review status: criteria provided, single submitter. Criteria: ACMG Guidelines, 2015. Collection method: clinical testing. Allele origin: germline.
Comment: The ROBO4 c.2171C>T variant is predicted to result in the amino acid substitution p.Thr724Ile. To our knowledge, this variant has not been reported in the literature. This variant is reported in 0.012% of alleles in individuals of European (Non-Finnish) descent in gnomAD. At this time, the clinical significance of this variant is uncertain due to the absence of conclusive functional and genetic evidence.

Ambry Genetics
Classification: Uncertain significance. Last evaluated: 2025-06-24. Review status: criteria provided, single submitter. Criteria: Ambry Variant Classification Scheme 2023. Collection method: clinical testing. Allele origin: germline.

Molecular Genetics, Royal Melbourne Hospital
Classification: Uncertain significance for Aortic valve disease 3. Last evaluated: 2024-08-05. Review status: criteria provided, single submitter. Criteria: ACMG Guidelines, 2015. Collection method: clinical testing. Allele origin: germline. Inheritance: Autosomal dominant inheritance.

NM_019055.6(ROBO4):c.2171C>T (p.Thr724Ile)

Gene: ROBO4 (roundabout guidance receptor 4; minus strand). Cytogenetic location: 11q24.2.
Variant type: single nucleotide variant.
Coding change: c.2171C>T on transcript NM_019055.6 (MANE Select); coding-DNA position 2171, C replaced by T.
Protein change: p.Thr724Ile; replaces threonine 724 with isoleucine.
Molecular consequence: missense variant.
Genome position (GRCh38, 1-based): chr11:124,887,385, G>A on the plus strand (C>T on the coding strand, the complement: ROBO4 is on the minus strand). VCF-style: chr11-124887385-G-A. GRCh37 (hg19) VCF-style: chr11-124757281-G-A.
Other names: c.1736C>T, p.Thr579Ile (NM_001301088.2); short protein forms T724I, T579I.
Identifiers: ClinVar variation 2353403 (VCV002353403.5), dbSNP rs139537489, ClinGen allele CA6344683.